The following is an entry in ClinVar:

NM_173495.3(PTCHD1):c.2161dup (p.Ser721fs)

Gene: PTCHD1 (patched domain containing 1; plus strand). Cytogenetic location: Xp22.11.
Variant type: Duplication.
Coding change: c.2161dup on transcript NM_173495.3 (MANE Select); coding-DNA position 2161, one base duplicated (T; older notation c.2161dupT).
Protein change: p.Ser721fs; shifts the reading frame from serine 721.
Molecular consequence: frameshift variant.
Genome position (GRCh38, 1-based): chrX:23,393,679, T duplicated; the last of 2 consecutive T bases (chrX:23,393,678-23,393,679); duplicating either gives the same sequence. VCF-style (leftmost placement, unchanged base first): chrX-23393677-A-AT. GRCh37 (hg19) VCF-style: chrX-23411794-A-AT.
Other names: c.2161dupT (NM_173495.2); short protein forms S721fs.
Identifiers: ClinVar variation 4628588 (VCV004628588.1).

ClinVar aggregate classification (germline): Likely pathogenic (1 of 4 stars; one submission).

Conditions:
Inborn genetic diseases. Identifiers: MedGen C0950123, MeSH D030342.

Submission:

Ambry Genetics
Classification: Likely pathogenic for Inborn genetic diseases. Last evaluated: 2025-10-17. Review status: criteria provided, single submitter. Criteria: Ambry Variant Classification Scheme 2023. Collection method: clinical testing. Allele origin: germline.
Comment: The c.2161dupT (p.S721Ffs*4) alteration, located in exon 3 (coding exon 3) of the PTCHD1 gene, consists of a duplication of T at position 2161, causing a translational frameshift with a predicted alternate stop codon after 4 amino acids. This variant is not expected to trigger nonsense-mediated mRNA decay, and impacts the last 18% of the protein. However, premature stop codons are typically deleterious in nature, the impacted region is critical for protein function (Ambry internal data), and a significant portion of the protein is affected (Ambry internal data). This variant was not reported in population-based cohorts in the Genome Aggregation Database (gnomAD). Based on internal structural analysis, this variant is anticipated to disrupt a region of known function (Tora, 2017; Ambry internal data). Based on the available evidence, this alteration is classified as likely pathogenic.

Literature cited by the submitters: PubMed 29118110.